The following is an entry in ClinVar:

ClinVar aggregate classification (germline): Uncertain significance (1 of 4 stars; one submission).

Submission:

Labcorp Genetics (formerly Invitae), Labcorp
Classification: Uncertain significance. Last evaluated: 2024-08-28. Review status: criteria provided, single submitter. Criteria: Invitae Variant Classification Sherloc (09022015). Collection method: clinical testing. Allele origin: germline.
Comment: This sequence change replaces isoleucine, which is neutral and non-polar, with phenylalanine, which is neutral and non-polar, at codon 755 of the NUP93 protein (p.Ile755Phe). This variant is not present in population databases (gnomAD no frequency). This variant has not been reported in the literature in individuals affected with NUP93-related conditions. Invitae Evidence Modeling of protein sequence and biophysical properties (such as structural, functional, and spatial information, amino acid conservation, physicochemical variation, residue mobility, and thermodynamic stability) indicates that this missense variant is expected to disrupt NUP93 protein function with a positive predictive value of 80%. In summary, the available evidence is currently insufficient to determine the role of this variant in disease. Therefore, it has been classified as a Variant of Uncertain Significance.

NM_014669.5(NUP93):c.2263A>T (p.Ile755Phe)

Gene: NUP93 (nucleoporin 93; plus strand). Cytogenetic location: 16q13.
Variant type: single nucleotide variant.
Coding change: c.2263A>T on transcript NM_014669.5 (MANE Select); coding-DNA position 2263, A replaced by T.
Protein change: p.Ile755Phe; replaces isoleucine 755 with phenylalanine.
Molecular consequence: missense variant.
Genome position (GRCh38, 1-based): chr16:56,841,747, A>T. VCF-style: chr16-56841747-A-T. GRCh37 (hg19) VCF-style: chr16-56875659-A-T.
Other names: c.1894A>T, p.Ile632Phe (NM_001242795.2, NM_001242796.2); short protein forms I632F, I755F.
Identifiers: ClinVar variation 3677828 (VCV003677828.2).